The following is an entry in ClinVar:

ClinVar aggregate classification (germline): Uncertain significance (1 of 4 stars; one submission).

Conditions:
Neuropathy, hereditary sensory and autonomic, type 2A (HSAN2A). Also called: WNK1-Related HSAN2 (HSAN2A); ACROOSTEOLYSIS, GIACCAI TYPE; ACROOSTEOLYSIS, NEUROGENIC; MORVAN DISEASE; NEUROPATHY, CONGENITAL SENSORY; NEUROPATHY, HEREDITARY SENSORY RADICULAR, AUTOSOMAL RECESSIVE. Identifiers: Orphanet 970, MedGen C2752089, MONDO:0024309, OMIM 201300.
Pseudohypoaldosteronism type 2C (PHA2C). Also called: Pseudohypoaldosteronism Type IIC. Identifiers: Orphanet 757, Orphanet 88940, MedGen C1840391, MONDO:0013778, OMIM 614492.

gnomAD v4.1: 18 of 1,612,238 alleles (0.0011%); highest among the groups gnomAD compares: Non-Finnish European, 0.0011%; no homozygotes.

Submission:

Labcorp Genetics (formerly Invitae), Labcorp
Classification: Uncertain significance for Neuropathy, hereditary sensory and autonomic, type 2A; Pseudohypoaldosteronism type 2C. Last evaluated: 2025-04-20. Review status: criteria provided, single submitter. Criteria: Invitae Variant Classification Sherloc (09022015). Collection method: clinical testing. Allele origin: germline.
Comment: This sequence change replaces serine, which is neutral and polar, with asparagine, which is neutral and polar, at codon 1131 of the WNK1 protein (p.Ser1131Asn). This variant is present in population databases (rs780190242, gnomAD 0.008%). This variant has not been reported in the literature in individuals affected with WNK1-related conditions. Invitae Evidence Modeling of protein sequence and biophysical properties (such as structural, functional, and spatial information, amino acid conservation, physicochemical variation, residue mobility, and thermodynamic stability) indicates that this missense variant is not expected to disrupt WNK1 protein function with a negative predictive value of 95%. In summary, the available evidence is currently insufficient to determine the role of this variant in disease. Therefore, it has been classified as a Variant of Uncertain Significance.

NM_213655.5(WNK1):c.3392G>A (p.Ser1131Asn)

Gene: WNK1 (WNK lysine deficient protein kinase 1; plus strand). Cytogenetic location: 12p13.33.
Variant type: single nucleotide variant.
Coding change: c.3392G>A on transcript NM_213655.5 (MANE Plus Clinical); coding-DNA position 3392, G replaced by A.
Protein change: p.Ser1131Asn; replaces serine 1131 with asparagine.
Molecular consequence: missense variant. On other transcripts: intron variant (2).
Genome position (GRCh38, 1-based): chr12:868,863, G>A. VCF-style: chr12-868863-G-A. GRCh37 (hg19) VCF-style: chr12-978029-G-A.
Other names: c.3137G>A, p.Ser1046Asn (NM_001184985.2); c.2140-2402G>A (NM_018979.4, NM_014823.3); short protein forms S1046N, S1131N.
Identifiers: ClinVar variation 4788458 (VCV004788458.1).